The following is an entry in ClinVar:

ClinVar aggregate classification (germline): Uncertain significance (1 of 4 stars; one submission).

Conditions:
Hereditary cancer-predisposing syndrome. Also called: Tumor predisposition; Neoplastic Syndromes, Hereditary; Hereditary neoplastic syndrome; Hereditary Cancer Syndrome. Identifiers: Orphanet 140162, MedGen C0027672, MeSH D009386, MONDO:0015356.

Submission:

Ambry Genetics
Classification: Uncertain significance for Hereditary cancer-predisposing syndrome. Last evaluated: 2025-08-27. Review status: criteria provided, single submitter. Criteria: Ambry Variant Classification Scheme 2023. Collection method: clinical testing. Allele origin: germline.
Comment: The p.R534G variant (also known as c.1600C>G), located in coding exon 16 of the MUTYH gene, results from a C to G substitution at nucleotide position 1600. The arginine at codon 534 is replaced by glycine, an amino acid with dissimilar properties. This amino acid position is conserved. In addition, this alteration is predicted to be tolerated by in silico analysis. Based on the available evidence, the clinical significance of this variant remains unclear.

NM_001048174.2(MUTYH):c.1516C>G (p.Arg506Gly)

Gene: MUTYH (mutY DNA glycosylase; minus strand). Cytogenetic location: 1p34.1.
Variant type: single nucleotide variant.
Coding change: c.1516C>G on transcript NM_001048174.2 (MANE Select); coding-DNA position 1516, C replaced by G.
Protein change: p.Arg506Gly; replaces arginine 506 with glycine.
Molecular consequence: missense variant. On other transcripts: non-coding transcript variant (7).
Genome position (GRCh38, 1-based): chr1:45,329,356, G>C on the plus strand (C>G on the coding strand, the complement: MUTYH is on the minus strand). VCF-style: chr1-45329356-G-C. GRCh37 (hg19) VCF-style: chr1-45795028-G-C.
Other names: c.1516C>G, p.Arg506Gly (NM_001048171.2, NM_001048173.2, NM_001293195.2 and 6 more transcripts); c.1519C>G, p.Arg507Gly (NM_001048172.2, NM_001407071.1, NM_001407078.1 and 1 more transcripts); c.1600C>G, p.Arg534Gly (NM_001128425.2); c.1561C>G, p.Arg521Gly (NM_001293190.2); c.1549C>G, p.Arg517Gly (NM_001293191.2, NM_001407069.1, NM_001407077.1); c.1240C>G, p.Arg414Gly (NM_001293192.2, NM_001293196.2, NM_001407091.1); c.1171C>G, p.Arg391Gly (NM_001350650.2, NM_001350651.2, NM_001407082.1); c.1432C>G, p.Arg478Gly (NM_001407075.1); and 5 more; short protein forms R391G, R478G, R492G, R520G, R521G, R534G, R513G, R414G.
Identifiers: ClinVar variation 4113424 (VCV004113424.1).